The following is an entry in ClinVar:

ClinVar aggregate classification (germline): Conflicting classifications of pathogenicity. Review status: criteria provided, conflicting classifications (1 of 4 stars). 9 submissions from 8 submitters: Uncertain significance (1); Benign (4); Likely benign (4). Last evaluated 2026-04-01.

Conditions:
Melnick-Fraser syndrome (BOR). Also called: Branchiootorenal syndrome; Branchio-oto-renal syndrome; Branchiootorenal Syndrome (BORS). Identifiers: Orphanet 107, MedGen C0265234, MONDO:0007029.
Branchiootic syndrome 1 (BOS1). Also called: BO SYNDROME 1; BRANCHIOOTIC DYSPLASIA. Identifiers: MedGen C1865143, MONDO:0011258, OMIM 602588.
Otofaciocervical syndrome 1 (OTFCS). Identifiers: MedGen C3714941, MONDO:0024532, OMIM 166780.

Allele frequency attached by ClinVar (database versions not stated): 1000 Genomes Project 30x 0.00016; 1000 Genomes Project 0.00020; ESP Exome Variant Server 0.00031; gnomAD 0.00048 and 0.00053; ExAC 0.00090; gnomAD exomes 0.00090 and 0.00080; TOPMed 0.00049.
gnomAD v4.1: 1,386 of 1,608,878 alleles (0.086%); highest among the groups gnomAD compares: South Asian, 0.19%; 2 homozygotes.

Submissions (9):

CeGaT Center for Human Genetics Tuebingen
Classification: Likely benign. Last evaluated: 2026-04-01. Review status: criteria provided, single submitter. Criteria: CeGaT Center For Human Genetics Tuebingen Variant Classification Criteria Version 2. Collection method: clinical testing. Allele origin: germline. Affected: yes. Observed: 4 variant alleles.
Comment: EYA1: BP4, BS1

Labcorp Genetics (formerly Invitae), Labcorp
Classification: Benign for Melnick-Fraser syndrome. Last evaluated: 2026-01-26. Review status: criteria provided, single submitter. Criteria: Invitae Variant Classification Sherloc (09022015). Collection method: clinical testing. Allele origin: germline.

Mayo Clinic Laboratories, Mayo Clinic
Classification: Benign. Last evaluated: 2024-12-31. Review status: criteria provided, single submitter. Criteria: ACMG Guidelines, 2015. Collection method: clinical testing. Allele origin: germline. Observed: 1 variant allele.
Comment: BA1, BP4, BP7

Blueprint Genetics
Classification: Likely benign. Last evaluated: 2024-11-21. Review status: criteria provided, single submitter. Criteria: ACMG Guidelines, 2015. Collection method: clinical testing. Allele origin: germline.

GeneDx
Classification: Likely benign. Last evaluated: 2021-05-06. Review status: criteria provided, single submitter. Criteria: GeneDx Variant Classification Process June 2021. Collection method: clinical testing. Allele origin: germline. Affected: yes.

Illumina Laboratory Services, Illumina
Classification: Benign for Branchiootic syndrome. Last evaluated: 2018-01-13. Review status: criteria provided, single submitter. Criteria: ICSL Variant Classification Criteria 13 December 2019. Collection method: clinical testing. Allele origin: germline.
Comment: This variant was observed in the ICSL laboratory as part of a predisposition screen in an ostensibly healthy population. It had not been previously curated by ICSL or reported in the Human Gene Mutation Database (HGMD: prior to June 1st, 2018), and was therefore a candidate for classification through an automated scoring system. Utilizing variant allele frequency, disease prevalence and penetrance estimates, and inheritance mode, an automated score was calculated to assess if this variant is too frequent to cause the disease. Based on the score and internal cut-off values, a variant classified as benign is not then subjected to further curation. The score for this variant resulted in a classification of benign for this disease.

Illumina Laboratory Services, Illumina
Classification: Benign for Otofaciocervical syndrome 1. Last evaluated: 2018-01-13. Review status: criteria provided, single submitter. Criteria: ICSL Variant Classification Criteria 13 December 2019. Collection method: clinical testing. Allele origin: germline.
Comment: the same text as in the submission from Illumina Laboratory Services, Illumina above.

Laboratory for Molecular Medicine, Mass General Brigham Personalized Medicine
Classification: Likely benign. Last evaluated: 2017-06-06. Review status: criteria provided, single submitter. Criteria: LMM Criteria. Collection method: clinical testing. Allele origin: germline. Observed: 1 variant allele.
Comment: c.1699-8T>C in intron 16 of EYA1: This variant is not expected to have clinical significance because a T>C change at this position does not diverge from the spl ice consensus sequence and is therefore unlikely to impact splicing. It has been identified in 0.2% (52/30260) of South Asian chromosomes by the Genome Aggregat ion Database (gnomAD; dbSNP rs201537030).

Eurofins Ntd Llc (ga)
Classification: Uncertain significance. Last evaluated: 2015-01-20. Review status: criteria provided, single submitter. Criteria: EGL Classification Definitions 2015. Collection method: clinical testing. Allele origin: germline. Observed: 1 variant allele, 1 heterozygote.

NM_000503.6(EYA1):c.1699-8T>C

Gene: EYA1 (EYA transcriptional coactivator and phosphatase 1; minus strand). Cytogenetic location: 8q13.3.
Variant type: single nucleotide variant.
Coding change: c.1699-8T>C on transcript NM_000503.6 (MANE Select); 8 bases into the intron before coding-DNA position 1699, T replaced by C.
Molecular consequence: intron variant.
Genome position (GRCh38, 1-based): chr8:71,199,428, A>G on the plus strand (T>C on the coding strand, the complement: EYA1 is on the minus strand). VCF-style: chr8-71199428-A-G. GRCh37 (hg19) VCF-style: chr8-72111663-A-G.
Other names: p.?; c.1678-8T>C (NM_001370336.1); c.1786-8T>C (NM_001370333.1); c.1699-8T>C (NM_001370335.1, NM_001370334.1, NM_172058.4); c.1681-8T>C (NM_172059.5, NM_001288574.2); c.1333-8T>C (NM_001288575.2).
Identifiers: ClinVar variation 194813 (VCV000194813.85), dbSNP rs201537030, ClinGen allele CA240992.